The following is an entry in ClinVar:

NM_006218.4(PIK3CA):c.2668T>G (p.Tyr890Asp)

Gene: PIK3CA (phosphatidylinositol-4,5-bisphosphate 3-kinase catalytic subunit alpha; plus strand). Cytogenetic location: 3q26.32.
Variant type: single nucleotide variant.
Coding change: c.2668T>G on transcript NM_006218.4 (MANE Select); coding-DNA position 2668, T replaced by G.
Protein change: p.Tyr890Asp; replaces tyrosine 890 with aspartic acid.
Molecular consequence: missense variant.
Genome position (GRCh38, 1-based): chr3:179,230,005, T>G. VCF-style: chr3-179230005-T-G. GRCh37 (hg19) VCF-style: chr3-178947793-T-G.
Other names: short protein forms Y890D.
Identifiers: ClinVar variation 1997328 (VCV001997328.4), dbSNP rs2108423948, ClinGen allele CA355279202.
Genomic context (GRCh38, chr3:179,230,005, plus strand): 5'-TCAAGTTGGCCTGAATCACTATATTTCCATACTACTCATGAGGTGTTTATTCTTTGTAGA[T>G]ATGATGCAGCCATTGACCTGTTTACACGTTCATGTGCTGGATACTGTGTAGCTACCTTCA-3'
Protein context (NP_006209.2, residues 880-900): WLKDKNKGEI[Tyr890Asp]DAAIDLFTRS

ClinVar aggregate classification (germline): Uncertain significance (1 of 4 stars; one submission).

Conditions:
Cowden syndrome (CS). Also called: Cowden's disease; Cowden's syndrome; Cowden disease. Identifiers: Orphanet 201, MedGen C0018553, MONDO:0016063. Disease mechanism: gain of function.

Submission:

Labcorp Genetics (formerly Invitae), Labcorp
Classification: Uncertain significance for Cowden syndrome. Last evaluated: 2022-01-05. Review status: criteria provided, single submitter. Criteria: Invitae Variant Classification Sherloc (09022015). Collection method: clinical testing. Allele origin: germline.
Comment: In summary, the available evidence is currently insufficient to determine the role of this variant in disease. Therefore, it has been classified as a Variant of Uncertain Significance. Algorithms developed to predict the effect of missense changes on protein structure and function are either unavailable or do not agree on the potential impact of this missense change (SIFT: "Tolerated"; PolyPhen-2: "Probably Damaging"; Align-GVGD: "Class C0"). This variant has not been reported in the literature in individuals affected with PIK3CA-related conditions. This variant is not present in population databases (gnomAD no frequency). This sequence change replaces tyrosine, which is neutral and polar, with aspartic acid, which is acidic and polar, at codon 890 of the PIK3CA protein (p.Tyr890Asp).